The following is an entry in ClinVar:

NM_007294.4(BRCA1):c.2689C>G (p.Pro897Ala)

Gene: BRCA1 (BRCA1 DNA repair associated; minus strand). Cytogenetic location: 17q21.31.
Variant type: single nucleotide variant.
Coding change: c.2689C>G on transcript NM_007294.4 (MANE Select); coding-DNA position 2689, C replaced by G.
Protein change: p.Pro897Ala; replaces proline 897 with alanine.
Molecular consequence: missense variant. On other transcripts: intron variant (137).
Genome position (GRCh38, 1-based): chr17:43,092,842, G>C on the plus strand (C>G on the coding strand, the complement: BRCA1 is on the minus strand). VCF-style: chr17-43092842-G-C. GRCh37 (hg19) VCF-style: chr17-41244859-G-C.
Other names: c.2689C>G, p.Pro897Ala (NM_001407602.1, NM_001407603.1, NM_001407605.1 and 30 more transcripts); c.2686C>G, p.Pro896Ala (NM_001407610.1, NM_001407611.1, NM_001407612.1 and 22 more transcripts); c.2476C>G, p.Pro826Ala (NM_001407571.1, NM_001407915.1, NM_001407916.1 and 9 more transcripts); c.788-1810C>G (NM_001407970.1, NM_001407980.1, NM_001407993.1 and 17 more transcripts); c.2680C>G, p.Pro894Ala (NM_001407646.1, NM_001407647.1); c.2566C>G, p.Pro856Ala (NM_001407648.1, NM_001407666.1, NM_001407667.1 and 19 more transcripts); c.2563C>G, p.Pro855Ala (NM_001407649.1, NM_001407670.1, NM_001407671.1 and 11 more transcripts); c.2611C>G, p.Pro871Ala (NM_001407653.1, NM_001407654.1, NM_001407655.1 and 4 more transcripts); and 41 more; short protein forms P601A, P729A, P769A, P770A, P785A, P786A, P808A, P809A.
Identifiers: ClinVar variation 4856501 (VCV004856501.1).

ClinVar aggregate classification (germline): Likely benign (1 of 4 stars; one submission).

Conditions:
Breast-ovarian cancer, familial, susceptibility to, 1 (BROVCA1). Also called: OVARIAN CANCER, SUSCEPTIBILITY TO; BRCA1 Hereditary Breast and Ovarian Cancer. Identifiers: Orphanet 145, MedGen C2676676, MONDO:0011450, OMIM 604370. Disease mechanism: loss of function.

gnomAD v4.1: 2 of 1,613,812 alleles (0.00012%); highest among the groups gnomAD compares: South Asian, 0.0022%; no homozygotes.

Submission:

Cancer Bioinformatics and Tumour Evolution Laboratory, Monash University
Classification: Likely benign for Breast-ovarian cancer, familial, susceptibility to, 1. Last evaluated: 2026-05-01. Review status: criteria provided, single submitter. Criteria: ClinGen BRCA1 and BRCA2 Guidelines, 2024. Collection method: curation. Allele origin: germline. Inheritance: Autosomal dominant inheritance.
Comment: Missense variant outside of a functional domain with no splice impact. BRCA1 and BRCA2 VCEP guidelines recommend application of BP1_Strong (PMID: 39142283)